The following is an entry in ClinVar:

NM_004092.4(ECHS1):c.414+1G>A

Gene: ECHS1 (enoyl-CoA hydratase, short chain 1; minus strand). Cytogenetic location: 10q26.3.
Variant type: single nucleotide variant.
Coding change: c.414+1G>A on transcript NM_004092.4 (MANE Select); the canonical splice donor site of the intron after coding-DNA position 414, G replaced by A.
Molecular consequence: splice donor variant.
Genome position (GRCh38, 1-based): chr10:133,369,903, C>T on the plus strand (G>A on the coding strand, the complement: ECHS1 is on the minus strand). VCF-style: chr10-133369903-C-T. GRCh37 (hg19) VCF-style: chr10-135183407-C-T.
Identifiers: ClinVar variation 870387 (VCV000870387.8), dbSNP rs754815893, ClinGen allele CA5765797.

ClinVar aggregate classification (germline): Pathogenic/Likely pathogenic. Review status: criteria provided, multiple submitters, no conflicts (2 of 4 stars). 5 submissions from 5 submitters: Pathogenic (2); Likely pathogenic (3). Last evaluated 2026-08-06.

Conditions:
Mitochondrial short-chain Enoyl-Coa hydratase 1 deficiency. Also called: PxMD-ECHS1; ECHS1 deficiency; Mitochondrial Short-Chain Enoyl-CoA Hydratase Deficiency. Identifiers: Orphanet 255241, Orphanet 653880, MedGen C4225391, MONDO:0014563, OMIM 616277.
ECHS1-related disorders.

Allele frequency attached by ClinVar (database versions not stated): ExAC 0.00001; gnomAD 0.00001; gnomAD exomes 0.00002; TOPMed 0.00002.
gnomAD v4.1: 18 of 1,613,238 alleles (0.0011%); highest among the groups gnomAD compares: East Asian, 0.0045%; no homozygotes.

Submissions (7):

OLLIN Analises Genomicas, OLLIN
Classification: Likely pathogenic. Last evaluated: 2026-08-06. Review status: criteria provided, single submitter. Criteria: ACMG Guidelines 2015 PMID 25741868. Collection method: clinical testing. Allele origin: germline.
Comment: This variant, located at the canonical splicing site (splice donor), has been reported in ClinVar (accession VCV000870387.6) and in gnomAD with an allele frequency of 0.0011%. However, to our knowledge, it has not been reported in the scientific literature. This variant is predicted to disrupt a canonical splice site, potentially leading to exon skipping, mRNA degradation via nonsense-mediated decay (NMD), or production of a truncated protein. According to the currently available evidence, this variant has been classified as likely pathogenic (PVS1, PM2_P).

Labcorp Genetics (formerly Invitae), Labcorp
Classification: Pathogenic. Last evaluated: 2024-12-03. Review status: criteria provided, single submitter. Criteria: Invitae Variant Classification Sherloc (09022015). Collection method: clinical testing. Allele origin: germline.
Comment: This sequence change affects a donor splice site in intron 3 of the ECHS1 gene. It is expected to disrupt RNA splicing. Variants that disrupt the donor or acceptor splice site typically lead to a loss of protein function (PMID: 16199547), and loss-of-function variants in ECHS1 are known to be pathogenic (PMID: 25393721, 26000322, 27090768). This variant is present in population databases (rs754815893, gnomAD 0.01%). Disruption of this splice site has been observed in individual(s) with mitochondrial short-chain enoyl-CoA hydratase 1 deficiency (PMID: 32013919, 32573669). In at least one individual the data is consistent with being in trans (on the opposite chromosome) from a pathogenic variant. ClinVar contains an entry for this variant (Variation ID: 870387). Algorithms developed to predict the effect of sequence changes on RNA splicing suggest that this variant may disrupt the consensus splice site. For these reasons, this variant has been classified as Pathogenic.

Blueprint Genetics
Classification: Pathogenic for ECHS1-related disorders. Last evaluated: 2024-05-07. Review status: criteria provided, single submitter. Criteria: ACMG Guidelines, 2015. Collection method: clinical testing. Allele origin: germline. Affected: yes. Observed: 2 variant alleles.

Victorian Clinical Genetics Services, Murdoch Childrens Research Institute
Classification: Likely pathogenic for Mitochondrial short-chain Enoyl-Coa hydratase 1 deficiency. Last evaluated: 2018-01-28. Review status: criteria provided, single submitter. Criteria: ACMG Guidelines, 2015. Collection method: clinical testing. Allele origin: paternal. Affected: yes. Observed: 2 variant alleles.
Comment: A heterozygous canonical splice-site variant, NM_004092.3(ECHS1):c.414+1G>A, has been identified in intron 3 of 8 of the ECHS1 gene. The variant is likely to cause a splice defect, resulting in altered protein length. The nucleotide at this position has very high conservation (Phylop UCSC). Loss of protein function is predicted either through truncation (although no known functional domains are affected), which is a reported mechanism of pathogenicity for this gene, or nonsense-mediated decay. Further testing via RNA studies is required to confirm if and how splicing is altered. The variant is present in the gnomAD database at a frequency of 0.0016% (4 heterozygotes, no homozygotes). It has not been previously reported in clinical cases. However, a different variant in the same splice region (c.414+3) has previously been reported in trans with a missense variant in two siblings with deficiency of shortchain enoyl-CoA hydratase. Functional studies showed significantly reduced enzymatic activity and altered splicing, resulting in an inframe deletion of amino acids 126 to 138 (Peters H. et al., 2014). Based on the information available at the time of curation, and in combination with the pathogenic maternally inherited compound heterozygous p.(Gln159Arg) missense variant, this variant has been classified as LIKELY PATHOGENIC.

Neuberg Centre For Genomic Medicine, NCGM
Classification: Likely pathogenic for Mitochondrial short-chain Enoyl-Coa hydratase 1 deficiency. Review status: criteria provided, single submitter. Criteria: ACMG Guidelines, 2015. Collection method: clinical testing. Allele origin: germline. Affected: yes.
Comment: The splice donor variant c.414+1G>A in ECHS1 (NM_004092.4) has been reported to ClinVar as Likely Pathogenic. The c.414+1G>A variant is observed in 2/16,222 (0.0123%) alleles from individuals of African background in gnomAD Exomes and is novel (not in any individuals) in 1000 Genomes. This variant mutates a splice-donor sequence, potentially resulting in the retention of large segments of intronic DNA by the mRNA and nonfunctional proteins. The c.414+1G>A variant is a loss of function variant in the gene ECHS1, which is intolerant of Loss of Function variants, as indicated by the presence of existing pathogenic loss of function variant. For these reasons, this variant has been classified as Likely Pathogenic.

Dr. Peter K. Rogan Lab, Western University
No classification provided (evidence only). Condition: Thyroid cancer, nonmedullary, 1. Review status: no classification provided. Collection method: in vitro. Allele origin: not applicable. Functional consequence: retained intron. Not counted in ClinVar's aggregate classification.

Dr. Peter K. Rogan Lab, Western University
No classification provided (evidence only). Condition: Thymoma. Review status: no classification provided. Collection method: in vitro. Allele origin: not applicable. Functional consequence: retained intron. Not counted in ClinVar's aggregate classification.

Literature cited by the submitters: PubMed 16199547 (cited by Labcorp Genetics (formerly Invitae), Labcorp); PubMed 25393721 (cited by Labcorp Genetics (formerly Invitae), Labcorp); PubMed 26000322 (cited by Labcorp Genetics (formerly Invitae), Labcorp); PubMed 27090768 (cited by Labcorp Genetics (formerly Invitae), Labcorp); PubMed 32013919 (cited by Labcorp Genetics (formerly Invitae), Labcorp); PubMed 32573669 (cited by Labcorp Genetics (formerly Invitae), Labcorp).